The following is an entry in ClinVar:

ClinVar aggregate classification (germline): Uncertain significance (1 of 4 stars; one submission).

Conditions:
Immunodeficiency 39 (IMD39). Identifiers: Orphanet 574918, MedGen C4225358, MONDO:0014597, OMIM 616345.

Allele frequency attached by ClinVar (database versions not stated): gnomAD exomes below 0.00001.

Submission:

Labcorp Genetics (formerly Invitae), Labcorp
Classification: Uncertain significance for Immunodeficiency 39. Last evaluated: 2022-06-14. Review status: criteria provided, single submitter. Criteria: Invitae Variant Classification Sherloc (09022015). Collection method: clinical testing. Allele origin: germline.
Comment: In summary, the available evidence is currently insufficient to determine the role of this variant in disease. Therefore, it has been classified as a Variant of Uncertain Significance. Algorithms developed to predict the effect of sequence changes on RNA splicing suggest that this variant may disrupt the consensus splice site. This variant has not been reported in the literature in individuals affected with IRF7-related conditions. This variant is present in population databases (no rsID available, gnomAD 0.0009%). This sequence change falls in intron 7 of the IRF7 gene. It does not directly change the encoded amino acid sequence of the IRF7 protein.

NM_001572.5(IRF7):c.1238-20A>C

Gene: IRF7 (interferon regulatory factor 7; minus strand). Cytogenetic location: 11p15.5.
Variant type: single nucleotide variant.
Coding change: c.1238-20A>C on transcript NM_001572.5 (MANE Select); 20 bases into the intron before coding-DNA position 1238, A replaced by C.
Molecular consequence: intron variant.
Genome position (GRCh38, 1-based): chr11:613,137, T>G on the plus strand (A>C on the coding strand, the complement: IRF7 is on the minus strand). VCF-style: chr11-613137-T-G. GRCh37 (hg19) VCF-style: chr11-613137-T-G.
Other names: c.1151-20A>C (NM_004029.4); c.1277-20A>C (NM_004031.4).
Identifiers: ClinVar variation 2006487 (VCV002006487.4), dbSNP rs1289625680, ClinGen allele CA597020102.
Genomic context (GRCh38, chr11:613,137, plus strand): 5'-TGGGGAGCCACGGCGCTGCCGTGCCCGGAATTCCACCAGCTCTGAAGAAGGGGACTCTGC[T>G]GAGTACCTGGCAGGCAGGTGCTCCCAAGGACCCCTGGAGACAGCCCCCCAGGCAAGGGCC-3'